The following is an entry in ClinVar:

NM_005220.3(DLX3):c.68A>G (p.His23Arg)

Gene: DLX3 (distal-less homeobox 3; minus strand). Cytogenetic location: 17q21.33.
Variant type: single nucleotide variant.
Coding change: c.68A>G on transcript NM_005220.3 (MANE Select); coding-DNA position 68, A replaced by G.
Protein change: p.His23Arg; replaces histidine 23 with arginine.
Molecular consequence: missense variant.
Genome position (GRCh38, 1-based): chr17:49,994,931, T>C on the plus strand (A>G on the coding strand, the complement: DLX3 is on the minus strand). VCF-style: chr17-49994931-T-C. GRCh37 (hg19) VCF-style: chr17-48072295-T-C.
Other names: short protein forms H23R.
Identifiers: ClinVar variation 2886659 (VCV002886659.3), dbSNP rs1021348057, ClinGen allele CA291509151.

ClinVar aggregate classification (germline): Uncertain significance (1 of 4 stars; one submission).

Allele frequency attached by ClinVar (database versions not stated): gnomAD exomes 0.00001; TOPMed 0.00002.
gnomAD v4.1: 7 of 1,614,002 alleles (0.00043%); highest among the groups gnomAD compares: East Asian, 0.0089%; no homozygotes.

Submission:

Labcorp Genetics (formerly Invitae), Labcorp
Classification: Uncertain significance. Last evaluated: 2024-01-25. Review status: criteria provided, single submitter. Criteria: Invitae Variant Classification Sherloc (09022015). Collection method: clinical testing. Allele origin: germline.
Comment: This sequence change replaces histidine, which is basic and polar, with arginine, which is basic and polar, at codon 23 of the DLX3 protein (p.His23Arg). This variant is present in population databases (no rsID available, gnomAD 0.006%). This variant has not been reported in the literature in individuals affected with DLX3-related conditions. An algorithm developed to predict the effect of missense changes on protein structure and function (PolyPhen-2) suggests that this variant is likely to be disruptive. In summary, the available evidence is currently insufficient to determine the role of this variant in disease. Therefore, it has been classified as a Variant of Uncertain Significance.